The following is an entry in ClinVar:

NM_021930.6(RINT1):c.730A>T (p.Ile244Phe)

Gene: RINT1 (RAD50 interactor 1; plus strand). Cytogenetic location: 7q22.3.
Variant type: single nucleotide variant.
Coding change: c.730A>T on transcript NM_021930.6 (MANE Select); coding-DNA position 730, A replaced by T.
Protein change: p.Ile244Phe; replaces isoleucine 244 with phenylalanine.
Molecular consequence: missense variant. On other transcripts: 5 prime UTR variant (2), non-coding transcript variant (1), intron variant (1).
Genome position (GRCh38, 1-based): chr7:105,547,224, A>T. VCF-style: chr7-105547224-A-T. GRCh37 (hg19) VCF-style: chr7-105187671-A-T.
Other names: c.496A>T, p.Ile166Phe (NM_001346599.2); c.-290A>T (NM_001346600.2); c.-193A>T (NM_001346601.2); c.-27-2831A>T (NM_001346603.2); short protein forms I166F, I244F.
Identifiers: ClinVar variation 3227668 (VCV003227668.1), dbSNP rs769393675, ClinGen allele CA368806268.

ClinVar aggregate classification (germline): Uncertain significance (1 of 4 stars; one submission).

Allele frequency attached by ClinVar (database versions not stated): TOPMed 0.00001.

Submission:

Ambry Genetics
Classification: Uncertain significance. Last evaluated: 2024-03-09. Review status: criteria provided, single submitter. Criteria: Ambry Variant Classification Scheme 2023. Collection method: clinical testing. Allele origin: germline.
Comment: The p.I244F variant (also known as c.730A>T), located in coding exon 6 of the RINT1 gene, results from an A to T substitution at nucleotide position 730. The isoleucine at codon 244 is replaced by phenylalanine, an amino acid with highly similar properties. This amino acid position is conserved. In addition, this alteration is predicted to be tolerated by in silico analysis. Based on the available evidence, the clinical significance of this alteration remains unclear.